The following is an entry in ClinVar:

NM_022114.4(PRDM16):c.1762G>A (p.Val588Met)

Gene: PRDM16 (PR/SET domain 16; plus strand). Cytogenetic location: 1p36.32.
Variant type: single nucleotide variant.
Coding change: c.1762G>A on transcript NM_022114.4 (MANE Select); coding-DNA position 1762, G replaced by A.
Protein change: p.Val588Met; replaces valine 588 with methionine.
Molecular consequence: missense variant.
Genome position (GRCh38, 1-based): chr1:3,411,959, G>A. VCF-style: chr1-3411959-G-A. GRCh37 (hg19) VCF-style: chr1-3328523-G-A.
Other names: c.1762G>A, p.Val588Met (NM_199454.3); short protein forms V588M.
Identifiers: ClinVar variation 647895 (VCV000647895.8), dbSNP rs768733228, ClinGen allele CA544277.

ClinVar aggregate classification (germline): Uncertain significance (1 of 4 stars; one submission).

Conditions:
Left ventricular noncompaction 8 (LVNC8). Identifiers: Orphanet 154, Orphanet 54260, MedGen C3809288, MONDO:0014152, OMIM 615373.

Allele frequency attached by ClinVar (database versions not stated): gnomAD exomes below 0.00001 and 0.00004; gnomAD 0.00003; TOPMed 0.00004; ExAC 0.00008.
gnomAD v4.1: 12 of 1,613,630 alleles (0.00074%); highest among the groups gnomAD compares: East Asian, 0.02%; no homozygotes.

Submission:

Labcorp Genetics (formerly Invitae), Labcorp
Classification: Uncertain significance for Left ventricular noncompaction 8. Last evaluated: 2025-05-17. Review status: criteria provided, single submitter. Criteria: Invitae Variant Classification Sherloc (09022015). Collection method: clinical testing. Allele origin: germline.
Comment: This sequence change replaces valine, which is neutral and non-polar, with methionine, which is neutral and non-polar, at codon 588 of the PRDM16 protein (p.Val588Met). This variant is present in population databases (rs768733228, gnomAD 0.07%), and has an allele count higher than expected for a pathogenic variant. This variant has not been reported in the literature in individuals affected with PRDM16-related conditions. ClinVar contains an entry for this variant (Variation ID: 647895). An algorithm developed to predict the effect of missense changes on protein structure and function (PolyPhen-2) suggests that this variant is likely to be tolerated. In summary, the available evidence is currently insufficient to determine the role of this variant in disease. Therefore, it has been classified as a Variant of Uncertain Significance.